The following is an entry in ClinVar:

NM_001082971.2(DDC):c.48_49delinsAG (p.Tyr16_Met17delinsTer)

Gene: DDC (dopa decarboxylase; minus strand). Cytogenetic location: 7p12.1.
Variant type: Indel.
Coding change: c.48_49delinsAG on transcript NM_001082971.2 (MANE Select); coding-DNA positions 48 to 49, CA replaced by AG.
Protein change: p.Tyr16_Met17delinsTer.
Molecular consequence: nonsense.
Genome position (GRCh38, 1-based): chr7:50,544,037-50,544,038, TG replaced by CT on the plus strand (CA replaced by AG on the coding strand, the reverse complement: DDC is on the minus strand). VCF-style: chr7-50544037-TG-CT. GRCh37 (hg19) VCF-style: chr7-50611735-TG-CT.
Other names: c.48_49delinsAG, p.Tyr16_Met17delinsTer (NM_000790.4, NM_001242886.2, NM_001242887.2 and 3 more transcripts).
Identifiers: ClinVar variation 1353224 (VCV001353224.5), dbSNP rs2153550461, ClinGen allele CA2573142190.

ClinVar aggregate classification (germline): Pathogenic (1 of 4 stars; one submission).

Conditions:
Deficiency of aromatic-L-amino-acid decarboxylase. Also called: AADC DEFICIENCY; DDC DEFICIENCY; DOPA DECARBOXYLASE DEFICIENCY; Aromatic L-Amino Acid Decarboxylase Deficiency; Aromatic amino acid decarboxylase deficiency. Identifiers: Orphanet 35708, MedGen C1291564, MONDO:0012084, OMIM 608643.

Submission:

Labcorp Genetics (formerly Invitae), Labcorp
Classification: Pathogenic for Deficiency of aromatic-L-amino-acid decarboxylase. Last evaluated: 2024-07-18. Review status: criteria provided, single submitter. Criteria: Invitae Variant Classification Sherloc (09022015). Collection method: clinical testing. Allele origin: germline.
Comment: This sequence change creates a premature translational stop signal (p.Tyr16*) in the DDC gene. It is expected to result in an absent or disrupted protein product. Loss-of-function variants in DDC are known to be pathogenic (PMID: 15079002, 24788355). This variant is not present in population databases (gnomAD no frequency). This premature translational stop signal has been observed in individual(s) with aromatic L-amino acid decarboxylase deficiency (PMID: 31918669). For these reasons, this variant has been classified as Pathogenic.

Literature cited by the submitters: PubMed 15079002; PubMed 24788355; PubMed 31918669.